The following is an entry in ClinVar:

ClinVar aggregate classification (germline): Pathogenic. Review status: criteria provided, multiple submitters, no conflicts (2 of 4 stars). 18 submissions from 18 submitters: Pathogenic (15). 3 of the submissions do not count toward it. Last evaluated 2026-01-26.

Conditions:
TTPA-related disorder. Also called: TTPA-related condition.
CHD7-related CHARGE syndrome. Identifiers: MedGen CN380413, MONDO:1010178, OMIM 214800.
Retinal dystrophy. Also called: Inherited retinal dystrophy. Identifiers: Orphanet 71862, MedGen C0854723, MeSH D058499, MONDO:0019118, HP:0000556.
Familial isolated deficiency of vitamin E (AVED). Also called: ATAXIA, FRIEDREICH-LIKE, WITH SELECTIVE VITAMIN E DEFICIENCY; Ataxia with isolated vitamin E deficiency. Identifiers: Orphanet 96, MedGen C1848533, MONDO:0010188, OMIM 277460.
ATAXIA, FRIEDREICH-LIKE, WITH ISOLATED VITAMIN E DEFICIENCY. Identifiers: MedGen C4016662.

Allele frequency attached by ClinVar (database versions not stated): ESP Exome Variant Server 0.00008; gnomAD 0.00009 and 0.00010; TOPMed 0.00012; gnomAD exomes 0.00015 and 0.00019; 1000 Genomes Project 30x 0.00016; ExAC 0.00017.

Submissions 1 to 14 of 18:

Labcorp Genetics (formerly Invitae), Labcorp
Classification: Pathogenic. Last evaluated: 2026-01-26. Review status: criteria provided, single submitter. Criteria: Invitae Variant Classification Sherloc (09022015). Collection method: clinical testing. Allele origin: germline.
Comment: This sequence change creates a premature translational stop signal (p.Thr172Leufs*5) in the TTPA gene. It is expected to result in an absent or disrupted protein product. Loss-of-function variants in TTPA are known to be pathogenic (PMID: 9463307, 26068213). This variant is present in population databases (rs397515379, gnomAD 0.03%). This premature translational stop signal has been observed in individuals with ataxia with isolated vitamin E deficiency (PMID: 9463307, 9588854, 11013295, 12112220, 12470185, 15300460, 23445347). ClinVar contains an entry for this variant (Variation ID: 9139). Algorithms developed to predict the effect of sequence changes on RNA splicing suggest that this variant may disrupt the consensus splice site. For these reasons, this variant has been classified as Pathogenic.

Natera, Inc.
Classification: Pathogenic for Ataxia with isolated vitamin E deficiency. Last evaluated: 2025-10-11. Review status: criteria provided, single submitter. Criteria: Natera Variant Classification Schema (03/2026). Collection method: clinical testing. Allele origin: germline.
Comment: The c.513_514insTT variant in TTPA is a frameshift variant predicted to shift the reading frame beginning at codon 172 and leads to a stop codon 5 codons downstream. This variant is expected to result in nonsense mediated decay, truncation, or a dysfunctional protein product. This variant is rare in the general population with a frequency below the threshold expected for the associated phenotype(s). This variant has been observed in one or more individuals affected with the associated recessive disease, as either homozygous or compound heterozygous with a second variant (PMID: 15300460). Given the available evidence, this variant is classified as Pathogenic.

Variantyx, Inc.
Classification: Pathogenic for CHD7-related CHARGE syndrome. Last evaluated: 2025-09-17. Review status: criteria provided, single submitter. Criteria: Variantyx Assertion Criteria 2022. Collection method: clinical testing. Allele origin: germline. Inheritance: Autosomal recessive inheritance.
Comment: This is a frameshift variant in the TTPA gene (OMIM: 600415). Pathogenic variants in this gene have been associated with autosomal recessive ataxia with isolated vitamin E deficiency. This variant introduces a premature termination codon in exon 3 out of 5 and is expected to result in loss of function, which is a known disease mechanism for TTPA in this disorder (PMID: 9463307, 26068213) (PVS1). This variant has been identified in the homozygous or compound heterozygous state in several individuals reported in the published literature (PMID: 9463307) (PM3) and has a 0.0231% maximum allele frequency in non-founder control populations (PM2). Based on the current evidence, this variant is classified as pathogenic for autosomal recessive ataxia with isolated vitamin E deficiency.

Revvity Omics, Revvity
Classification: Pathogenic for Familial isolated deficiency of vitamin E. Last evaluated: 2025-03-19. Review status: criteria provided, single submitter. Criteria: ACMG Guidelines, 2015. Collection method: clinical testing. Allele origin: germline.

Blueprint Genetics
Classification: Pathogenic for TTPA-related disorders. Last evaluated: 2024-05-28. Review status: criteria provided, single submitter. Criteria: ACMG Guidelines, 2015. Collection method: clinical testing. Allele origin: germline. Affected: yes. Observed: 5 variant alleles.

Athena Diagnostics
Classification: Pathogenic. Last evaluated: 2024-03-29. Review status: criteria provided, single submitter. Criteria: Athena Diagnostics Criteria. Collection method: clinical testing. Allele origin: unknown.
Comment: This variant is expected to result in the loss of a functional protein. The frequency of this variant in the general population is consistent with pathogenicity. This variant has been identified in multiple unrelated individuals with clinical features associated with this gene.

Institute of Human Genetics Munich, TUM University Hospital
Classification: Pathogenic for Familial isolated deficiency of vitamin E. Last evaluated: 2024-03-06. Review status: criteria provided, single submitter. Criteria: Classification criteria August 2017. Collection method: clinical testing. Allele origin: germline. Inheritance: Autosomal recessive inheritance. Affected: yes. Observed: 1 variant allele.

GeneDx
Classification: Pathogenic. Last evaluated: 2022-05-02. Review status: criteria provided, single submitter. Criteria: GeneDx Variant Classification Process June 2021. Collection method: clinical testing. Allele origin: germline. Affected: yes.
Comment: Frameshift variant predicted to result in protein truncation or nonsense mediated decay in a gene for which loss-of-function is a known mechanism of disease; This variant is associated with the following publications: (PMID: 7719340, 9463307, 8602747, 23445347, 31980526, 31589614, 32928973, 25614784)

CeGaT Center for Human Genetics Tuebingen
Classification: Pathogenic. Last evaluated: 2020-07-01. Review status: criteria provided, single submitter. Criteria: CeGaT Center For Human Genetics Tuebingen Variant Classification Criteria Version 2. Collection method: clinical testing. Allele origin: germline. Affected: yes. Observed: 1 variant allele.

Centre for Mendelian Genomics, University Medical Centre Ljubljana
Classification: Pathogenic for Familial isolated deficiency of vitamin E. Last evaluated: 2020-02-27. Review status: criteria provided, single submitter. Criteria: ACMG Guidelines, 2015. Collection method: clinical testing. Allele origin: unknown. Affected: yes.
Comment: This variant was classified as: Pathogenic. The following ACMG criteria were applied in classifying this variant: PVS1,PS4_MOD,PM2.

Myriad Genetics, Inc.
Classification: Pathogenic for Familial isolated deficiency of vitamin E. Last evaluated: 2020-01-03. Review status: criteria provided, single submitter. Criteria: Myriad Women's Health Autosomal Recessive and X-Linked Classification Criteria (2019). Collection method: clinical testing. Allele origin: unknown.
Comment: NM_000370.3(TTPA):c.513_514insTT(T172Lfs*5) is classified as pathogenic in the context of ataxia with vitamin E deficiency. Sources cited for classification include the following: PMID 9463307 and 15300460. Classification of NM_000370.3(TTPA):c.513_514insTT(T172Lfs*5) is based on the following criteria: The variant causes a premature termination codon that is expected to be targeted by nonsense-mediated mRNA decay and is reported in individuals with the relevant phenotype. Please note: this variant was assessed in the context of healthy population screening.

Institute of Human Genetics, Univ. Regensburg, Univ. Regensburg
Classification: Pathogenic for Retinal dystrophy. Last evaluated: 2020-01-01. Review status: criteria provided, single submitter. Criteria: ACMG Guidelines, 2015. Collection method: clinical testing. Allele origin: germline. Affected: yes.

Women's Health and Genetics/Laboratory Corporation of America, LabCorp
Classification: Pathogenic for Familial isolated deficiency of vitamin E. Last evaluated: 2019-11-22. Review status: criteria provided, single submitter. Criteria: LabCorp Variant Classification Summary - May 2015. Collection method: clinical testing. Allele origin: germline.
Comment: Variant summary: TTPA c.513_514insTT (p.Thr172LeufsX5) results in a premature termination codon, predicted to cause a truncation of the encoded protein or absence of the protein due to nonsense mediated decay, which are commonly known mechanisms for disease. The variant allele was found at a frequency of 0.00015 in 251276 control chromosomes (gnomAD). This frequency is not higher than the expected maximum for a pathogenic variant in TTPA causing Ataxia with Vitamin E Deficiency (0.00015 vs 0.002). c.513_514insTT has been reported in the literature in multiple homozygous- and compound heterozygote individuals affected with 'Ataxia with Vitamin E Deficiency' (e.g. Mariotti_2004). These data indicate that the variant is very likely to be associated with disease. A ClinVar submission (evaluation after 2014) cites the variant as pathogenic. Based on the evidence outlined above, the variant was classified as pathogenic.

Mendelics
Classification: Pathogenic for Familial isolated deficiency of vitamin E. Last evaluated: 2019-05-28. Review status: criteria provided, single submitter. Criteria: Mendelics Assertion Criteria 2017. Collection method: clinical testing. Allele origin: unknown.

NM_000370.3(TTPA):c.513_514insTT (p.Thr172fs)

Gene: TTPA (alpha tocopherol transfer protein; minus strand). Cytogenetic location: 8q12.3.
Variant type: Insertion.
Coding change: c.513_514insTT on transcript NM_000370.3 (MANE Select); coding-DNA positions 513 to 514, TT inserted.
Protein change: p.Thr172fs; shifts the reading frame from threonine 172.
Molecular consequence: frameshift variant.
Genome position: GRCh38 VCF-style: chr8-63065942-T-TAA. GRCh37 (hg19) VCF-style: chr8-63978501-T-TAA.
Other names: short protein forms T172fs.
Identifiers: ClinVar variation 9139 (VCV000009139.79), dbSNP rs397515379, ClinGen allele CA120137.